The following is an entry in ClinVar:

ClinVar aggregate classification (germline): Uncertain significance. Review status: criteria provided, multiple submitters, no conflicts (2 of 4 stars). 4 submissions from 4 submitters: Uncertain significance (3). 1 of the submissions does not count toward it. Last evaluated 2023-11-17.

Conditions:
Hereditary cancer-predisposing syndrome. Also called: Hereditary Cancer Syndrome; Hereditary neoplastic syndrome; Neoplastic Syndromes, Hereditary; Tumor predisposition. Identifiers: Orphanet 140162, MedGen C0027672, MeSH D009386, MONDO:0015356.
Familial adenomatous polyposis 1 (FAP1). Also called: FAMILIAL ADENOMATOUS POLYPOSIS 1, ATTENUATED; POLYPOSIS, ADENOMATOUS INTESTINAL. Identifiers: MedGen C2713442, MONDO:0021056, OMIM 175100. Disease mechanism: loss of function.

Submissions (4):

Labcorp Genetics (formerly Invitae), Labcorp
Classification: Uncertain significance for Familial adenomatous polyposis 1. Last evaluated: 2023-11-17. Review status: criteria provided, single submitter. Criteria: Invitae Variant Classification Sherloc (09022015). Collection method: clinical testing. Allele origin: germline.
Comment: This sequence change replaces threonine, which is neutral and polar, with alanine, which is neutral and non-polar, at codon 1313 of the APC protein (p.Thr1313Ala). This variant is not present in population databases (gnomAD no frequency). This missense change has been observed in individual(s) with familial adenomatous polyposis (PMID: 23159591). ClinVar contains an entry for this variant (Variation ID: 217974). Advanced modeling of protein sequence and biophysical properties (such as structural, functional, and spatial information, amino acid conservation, physicochemical variation, residue mobility, and thermodynamic stability) performed at Invitae indicates that this missense variant is not expected to disrupt APC protein function with a negative predictive value of 95%. In summary, the available evidence is currently insufficient to determine the role of this variant in disease. Therefore, it has been classified as a Variant of Uncertain Significance.

Ambry Genetics
Classification: Uncertain significance for Hereditary cancer-predisposing syndrome. Last evaluated: 2023-09-08. Review status: criteria provided, single submitter. Criteria: Ambry Variant Classification Scheme 2023. Collection method: clinical testing. Allele origin: germline.
Comment: The p.T1313A variant (also known as c.3937A>G), located in coding exon 15 of the APC gene, results from an A to G substitution at nucleotide position 3937. The threonine at codon 1313 is replaced by alanine, an amino acid with similar properties. This amino acid position is not well conserved in available vertebrate species. In addition, in silico predictors for this gene do not accurately predict pathogenicity. Since supporting evidence is limited at this time, the clinical significance of this alteration remains unclear.

Color Diagnostics, LLC DBA Color Health
Classification: Uncertain significance for Hereditary cancer-predisposing syndrome. Last evaluated: 2019-07-19. Review status: criteria provided, single submitter. Criteria: ACMG Guidelines, 2015. Collection method: clinical testing. Allele origin: germline.
Comment: This missense variant replaces threonine with alanine at codon 1313 of the APC protein. Computational prediction tools and conservation analyses suggest that this variant may not impact the protein function. Computational splicing tools suggest that this variant may not impact RNA splicing. To our knowledge, functional assays have not been performed for this variant. This variant has been reported in an individual affected with familial adenomatous polyposis (PMID: 23159591). This variant has not been identified in the general population by the Genome Aggregation Database (gnomAD). Available evidence is insufficient to determine the role of this variant in disease conclusively. Therefore, this variant is classified as a Variant of Uncertain Significance.

Mayo Clinic Laboratories, Mayo Clinic
Classification: Uncertain significance. Review status: no assertion criteria provided. Collection method: research. Allele origin: unknown. Observed: 1 variant allele. Not counted in ClinVar's aggregate classification.

Literature cited by the submitters: PubMed 23159591 (cited by Labcorp Genetics (formerly Invitae), Labcorp).

NM_000038.6(APC):c.3937A>G (p.Thr1313Ala)

Gene: APC (APC regulator of Wnt signaling pathway; plus strand). Cytogenetic location: 5q22.2.
Variant type: single nucleotide variant.
Coding change: c.3937A>G on transcript NM_000038.6 (MANE Select); coding-DNA position 3937, A replaced by G.
Protein change: p.Thr1313Ala; replaces threonine 1313 with alanine.
Molecular consequence: missense variant.
Genome position (GRCh38, 1-based): chr5:112,839,531, A>G. VCF-style: chr5-112839531-A-G. GRCh37 (hg19) VCF-style: chr5-112175228-A-G.
Other names: c.3937A>G, p.Thr1313Ala (NM_001127510.3, NM_001354895.2); c.3883A>G, p.Thr1295Ala (NM_001127511.3); c.3991A>G, p.Thr1331Ala (NM_001354896.2); c.3967A>G, p.Thr1323Ala (NM_001354897.2); c.3862A>G, p.Thr1288Ala (NM_001354898.2); c.3853A>G, p.Thr1285Ala (NM_001354899.2); c.3814A>G, p.Thr1272Ala (NM_001354900.2); c.3760A>G, p.Thr1254Ala (NM_001354901.2); and 5 more; short protein forms T1295A, T1313A, T1030A, T1288A, T1331A, T1323A, T1153A, T1187A.
Identifiers: ClinVar variation 217974 (VCV000217974.17), dbSNP rs863225349, ClinGen allele CA279760.